The following is an entry in ClinVar:

ClinVar aggregate classification (germline): Likely benign. Review status: criteria provided, multiple submitters, no conflicts (2 of 4 stars). 3 submissions from 3 submitters: Likely benign (2). 1 of the submissions does not count toward it. Last evaluated 2026-01-21.

Conditions:
T-cell immunodeficiency with epidermodysplasia verruciformis. Identifiers: Orphanet 324294, MedGen C4749500, MONDO:0017925.
RHOH-related disorder. Also called: RHOH-related condition.

Allele frequency attached by ClinVar (database versions not stated): gnomAD exomes 0.00004 and 0.00013; ExAC 0.00020; ESP Exome Variant Server 0.00046; gnomAD 0.00055 and 0.00056; TOPMed 0.00060; 1000 Genomes Project 30x 0.00094; 1000 Genomes Project 0.00100.

Submissions (3):

Labcorp Genetics (formerly Invitae), Labcorp
Classification: Likely benign for T-cell immunodeficiency with epidermodysplasia verruciformis. Last evaluated: 2026-01-21. Review status: criteria provided, single submitter. Criteria: Invitae Variant Classification Sherloc (09022015). Collection method: clinical testing. Allele origin: germline.

Blueprint Genetics
Classification: Likely benign. Last evaluated: 2024-05-03. Review status: criteria provided, single submitter. Criteria: ACMG Guidelines, 2015. Collection method: clinical testing. Allele origin: germline.

PreventionGenetics, part of Exact Sciences
Classification: Likely benign for RHOH-related condition. Last evaluated: 2019-02-21. Review status: no assertion criteria provided. Collection method: clinical testing. Allele origin: germline. Not counted in ClinVar's aggregate classification.
Comment: This variant is classified as likely benign based on ACMG/AMP sequence variant interpretation guidelines (Richards et al. 2015 PMID: 25741868, with internal and published modifications).

NM_004310.5(RHOH):c.42T>C (p.Ala14=)

Gene: RHOH (ras homolog family member H; plus strand). Cytogenetic location: 4p14.
Variant type: single nucleotide variant.
Coding change: c.42T>C on transcript NM_004310.5 (MANE Select); coding-DNA position 42, T replaced by C.
Protein change: p.Ala14=; no amino-acid change (alanine 14 retained).
Molecular consequence: synonymous variant.
Genome position (GRCh38, 1-based): chr4:40,243,428, T>C. VCF-style: chr4-40243428-T-C. GRCh37 (hg19) VCF-style: chr4-40245048-T-C.
Other names: c.42T>C, p.Ala14= (NM_001278359.2, NM_001278360.2, NM_001278361.2 and 8 more transcripts).
Identifiers: ClinVar variation 477859 (VCV000477859.14), dbSNP rs114176176, ClinGen allele CA2897713.
Genomic context (GRCh38, chr4:40,243,428, plus strand): 5'-AGGACAGCAGGCTGGGAAGATGCTGAGTTCCATCAAGTGCGTGTTGGTGGGCGACTCTGC[T>C]GTGGGGAAAACCTCTCTGTTGGTGCGCTTCACCTCCGAGACCTTCCCGGAGGCCTACAAG-3'
Protein context (NP_004301.1, residues 4-24): SIKCVLVGDS[Ala14=]VGKTSLLVRF